The following is an entry in ClinVar:

Conditions:
Breast-ovarian cancer, familial, susceptibility to, 1 (BROVCA1). Also called: BRCA1 Hereditary Breast and Ovarian Cancer; OVARIAN CANCER, SUSCEPTIBILITY TO. Identifiers: Orphanet 145, MedGen C2676676, MONDO:0011450, OMIM 604370. Disease mechanism: loss of function.

Submission:

Brotman Baty Institute, University of Washington
No classification provided (evidence only). Condition: Breast-ovarian cancer, familial 1. Review status: no classification provided. Collection method: in vitro. Allele origin: not applicable. Functional consequence: functionally_normal.
ClinVar note: "not provided" was previously submitted as the classification for the variant. However, the classification appeared to be based only on an observation of functional data so it was converted to no classification on 2025-07-30.

NM_007294.4(BRCA1):c.5153-23T>G

Gene: BRCA1 (BRCA1 DNA repair associated; minus strand). Cytogenetic location: 17q21.31.
Variant type: single nucleotide variant.
Coding change: c.5153-23T>G on transcript NM_007294.4 (MANE Select); 23 bases into the intron before coding-DNA position 5153, T replaced by G.
Molecular consequence: intron variant.
Genome position (GRCh38, 1-based): chr17:43,063,396, A>C on the plus strand (T>G on the coding strand, the complement: BRCA1 is on the minus strand). VCF-style: chr17-43063396-A-C. GRCh37 (hg19) VCF-style: chr17-41215413-A-C.
Other names: c.4814-23T>G (NM_001407956.1, NM_001407957.1, NM_001407958.1); c.4940-23T>G (NM_001407897.1, NM_001407908.1, NM_001407898.1 and 12 more transcripts); c.4820-23T>G (NM_001407947.1, NM_001407949.1, NM_001407946.1 and 1 more transcripts); c.917-23T>G (NM_001408514.1); c.1631-23T>G (NM_001408485.1, NM_001408483.1, NM_001408491.1 and 5 more transcripts); c.4943-23T>G (NM_001407882.1, NM_001407885.1, NM_001407886.1 and 5 more transcripts); c.1715-23T>G (NM_001408447.1, NM_001408446.1, NM_001408448.1 and 2 more transcripts); c.1718-23T>G (NM_001408433.1, NM_001408441.1, NM_001408437.1 and 10 more transcripts); and 72 more.
Identifiers: ClinVar variation 868737 (VCV000868737.3), dbSNP rs2051877902, ClinGen allele CA916080096.
Genomic context (GRCh38, chr17:43,063,396, plus strand): 5'-ATTCAGCATTTTTCTTTCTTTAATAGACTGGGTCACCCCTAAAGAGATCATAGAAAAGAC[A>C]GGTTACATACAGCAGAAGAACGTGCTCTTTTCACGGAGATAGAGAGGTCAGCGATTCACA-3'